The following is an entry in ClinVar:

NM_000562.3(C8A):c.1278C>T (p.Gly426=)

Gene: C8A (complement C8 alpha chain; plus strand). Cytogenetic location: 1p32.2.
Variant type: single nucleotide variant.
Coding change: c.1278C>T on transcript NM_000562.3 (MANE Select); coding-DNA position 1278, C replaced by T.
Protein change: p.Gly426=; no amino-acid change (glycine 426 retained).
Molecular consequence: synonymous variant.
Genome position (GRCh38, 1-based): chr1:56,908,011, C>T. VCF-style: chr1-56908011-C-T. GRCh37 (hg19) VCF-style: chr1-57373684-C-T.
Identifiers: ClinVar variation 3039577 (VCV003039577.4), dbSNP rs2522609008, ClinGen allele CA417965977.
Genomic context (GRCh38, chr1:56,908,011, plus strand): 5'-GGCAGAAAGGGCCAGGAAGGCCATGGCTGTGGAAGACATTATTTCTCGGGTGCGAGGTGG[C>T]AGTTCTGGCTGGAGCGGTGGCTTGGCACAGAACAGGAGCACCATTACATACCGTTCCTGG-3'
Protein context (NP_000553.1, residues 416-436): VEDIISRVRG[Gly426=]SSGWSGGLAQ

ClinVar aggregate classification (germline): Likely benign. Review status: criteria provided, single submitter (1 of 4 stars). 2 submissions from 2 submitters: Likely benign (1). 1 of the submissions does not count toward it. Last evaluated 2025-10-01.

Conditions:
C8A-related disorder. Also called: C8A-related condition.

Allele frequency attached by ClinVar (database versions not stated): gnomAD exomes below 0.00001.
gnomAD v4.1: 1 of 1,614,146 alleles (0.000062%); highest among the groups gnomAD compares: Admixed American, 0.0017%; no homozygotes.

Submissions (2):

Labcorp Genetics (formerly Invitae), Labcorp
Classification: Likely benign. Last evaluated: 2025-10-01. Review status: criteria provided, single submitter. Criteria: Invitae Variant Classification Sherloc (09022015). Collection method: clinical testing. Allele origin: germline.

PreventionGenetics, part of Exact Sciences
Classification: Likely benign for C8A-related condition. Last evaluated: 2024-01-12. Review status: no assertion criteria provided. Collection method: clinical testing. Allele origin: germline. Not counted in ClinVar's aggregate classification.
Comment: This variant is classified as likely benign based on ACMG/AMP sequence variant interpretation guidelines (Richards et al. 2015 PMID: 25741868, with internal and published modifications).